The following is an entry in ClinVar:

NM_005883.3(APC2):c.966C>G (p.His322Gln)

Gene: APC2 (APC regulator of WNT signaling pathway 2; plus strand). Cytogenetic location: 19p13.3.
Variant type: single nucleotide variant.
Coding change: c.966C>G on transcript NM_005883.3 (MANE Select); coding-DNA position 966, C replaced by G.
Protein change: p.His322Gln; replaces histidine 322 with glutamine.
Molecular consequence: missense variant.
Genome position (GRCh38, 1-based): chr19:1,457,002, C>G. VCF-style: chr19-1457002-C-G. GRCh37 (hg19) VCF-style: chr19-1457001-C-G.
Other names: c.963C>G, p.His321Gln (NM_001351273.1); c.966C>G (NM_005883.2); short protein forms H321Q, H322Q.
Identifiers: ClinVar variation 2921002 (VCV002921002.3), dbSNP rs757722260, ClinGen allele CA9044934.
Genomic context (GRCh38, chr19:1,457,002, plus strand): 5'-CGAGAGCTGCGTGGCCATGCGCCGCTCGGGCTGTCTGCCTCTGCTGCTGCAAATCCTCCA[C>G]GGCACCGAGGCCGCGGCCGGGGGTCGCGCCGGGGCCCCAGGGGCACCGGGCGCCAAGGAC-3'
Protein context (NP_005874.1, residues 312-332): GCLPLLLQIL[His322Gln]GTEAAAGGRA

ClinVar aggregate classification (germline): Uncertain significance. Review status: criteria provided, multiple submitters, no conflicts (2 of 4 stars). 3 submissions from 3 submitters: Uncertain significance (3). Last evaluated 2024-12-09.

Conditions:
Inborn genetic diseases. Identifiers: MedGen C0950123, MeSH D030342.

Allele frequency attached by ClinVar (database versions not stated): gnomAD 0.00005.
gnomAD v4.1: 73 of 1,531,974 alleles (0.0048%); highest among the groups gnomAD compares: Non-Finnish European, 0.0058%; no homozygotes.

Submissions (3):

Ambry Genetics
Classification: Uncertain significance for Inborn genetic diseases. Last evaluated: 2024-12-09. Review status: criteria provided, single submitter. Criteria: Ambry Variant Classification Scheme 2023. Collection method: clinical testing. Allele origin: germline.

GeneDx
Classification: Uncertain significance. Last evaluated: 2024-08-02. Review status: criteria provided, single submitter. Criteria: GeneDx Variant Classification Process June 2021. Collection method: clinical testing. Allele origin: germline. Affected: yes.
Comment: In silico analysis supports that this missense variant has a deleterious effect on protein structure/function; Has not been previously published as pathogenic or benign to our knowledge

ARUP Laboratories, Molecular Genetics and Genomics, ARUP Laboratories
Classification: Uncertain significance. Last evaluated: 2023-08-21. Review status: criteria provided, single submitter. Criteria: ARUP Molecular Germline Variant Investigation Process 2024. Collection method: clinical testing. Allele origin: germline.